The following is an entry in ClinVar:

ClinVar aggregate classification (germline): Uncertain significance (1 of 4 stars; one submission).

Conditions:
Aortic aneurysm, familial thoracic 7 (AAT7). Also called: AORTIC DISSECTION, FAMILIAL, WITH OR WITHOUT AORTIC ANEURYSM. Identifiers: MedGen C3151077, MONDO:0013418, OMIM 613780.

Submission:

Labcorp Genetics (formerly Invitae), Labcorp
Classification: Uncertain significance for Aortic aneurysm, familial thoracic 7. Last evaluated: 2024-07-17. Review status: criteria provided, single submitter. Criteria: Invitae Variant Classification Sherloc (09022015). Collection method: clinical testing. Allele origin: germline.
Comment: This sequence change replaces methionine, which is neutral and non-polar, with threonine, which is neutral and polar, at codon 1902 of the MYLK protein (p.Met1902Thr). This variant is not present in population databases (gnomAD no frequency). This variant has not been reported in the literature in individuals affected with MYLK-related conditions. Advanced modeling of protein sequence and biophysical properties (such as structural, functional, and spatial information, amino acid conservation, physicochemical variation, residue mobility, and thermodynamic stability) performed at Invitae indicates that this missense variant is not expected to disrupt MYLK protein function with a negative predictive value of 80%. In summary, the available evidence is currently insufficient to determine the role of this variant in disease. Therefore, it has been classified as a Variant of Uncertain Significance.

NM_053025.4(MYLK):c.5705T>C (p.Met1902Thr)

Genes: MYLK-AS1 (MYLK antisense RNA 1; plus strand), MYLK (myosin light chain kinase; minus strand). Cytogenetic location: 3q21.1.
Variant type: single nucleotide variant.
Coding change: c.5705T>C on transcript NM_053025.4 (MANE Select); coding-DNA position 5705, T replaced by C.
Protein change: p.Met1902Thr; replaces methionine 1902 with threonine.
Molecular consequence: missense variant.
Genome position (GRCh38, 1-based): chr3:123,614,145, A>G on the plus strand (T>C on the coding strand, the complement: MYLK is on the minus strand). VCF-style: chr3-123614145-A-G. GRCh37 (hg19) VCF-style: chr3-123332992-A-G.
Other names: c.5177T>C, p.Met1726Thr (NM_001321309.2); c.5498T>C, p.Met1833Thr (NM_053026.4); c.5552T>C, p.Met1851Thr (NM_053027.4); c.5345T>C, p.Met1782Thr (NM_053028.4); c.422T>C, p.Met141Thr (NM_053031.4); c.425T>C, p.Met142Thr (NM_053032.4); short protein forms M1833T, M142T, M1851T, M141T, M1782T, M1726T, M1902T.
Identifiers: ClinVar variation 3706873 (VCV003706873.2).
Genomic context (GRCh38, chr3:123,614,145, plus strand): 5'-TGCTTTTCTCTGGCTTTGTTTCACTCTTCTTCCTCTTCCCCTTCCCCTTCACCTTCCTCC[A>G]TCGTTTCCACAATGAGCTCTGCTGTGCAGGTGGCTTCTCCAAGACTGTTGACAGCCTTGC-3'
Protein context (NP_444253.3, residues 1892-1912): TCTAELIVET[Met1902Thr]EEGEGEGEEE